The following is an entry in ClinVar:

NC_000005.9:g.(?_130495140)_(130500898_?)del

Gene: HINT1 (histidine triad nucleotide binding protein 1; minus strand). Cytogenetic location: 5q23.3.
Variant type: Deletion.
Identifiers: ClinVar variation 2425337 (VCV002425337.5).

ClinVar aggregate classification (germline): Pathogenic (1 of 4 stars; one submission).

Conditions:
Autosomal recessive axonal neuropathy with neuromyotonia (NMAN). Also called: Neuromyotonia and axonal neuropathy, autosomal recessive; MYOKYMIA, MYOTONIA, AND MUSCLE WASTING; Gamstorp-Wohlfart syndrome. Identifiers: Orphanet 324442, MedGen C5700127, MONDO:0007646, OMIM 137200.

Submission:

Labcorp Genetics (formerly Invitae), Labcorp
Classification: Pathogenic for Autosomal recessive axonal neuropathy with neuromyotonia. Last evaluated: 2021-12-01. Review status: criteria provided, single submitter. Criteria: Invitae Variant Classification Sherloc (09022015). Collection method: clinical testing. Allele origin: germline.
Comment: A gross deletion of the genomic region encompassing the full coding sequence of the HINT1 gene has been identified. Loss-of-function variants in HINT1 are known to be pathogenic (PMID: 22961002, 25342199, 26059562). The boundaries of this event are unknown as they extend beyond the assayed region for this gene and therefore may encompass additional genes. This variant has not been reported in the literature in individuals affected with HINT1-related conditions. For these reasons, this variant has been classified as Pathogenic.

Literature cited by the submitters: PubMed 22961002; PubMed 25342199; PubMed 26059562.